The following is an entry in ClinVar:

NM_006005.3(WFS1):c.2426A>G (p.Glu809Gly)

Gene: WFS1 (wolframin ER transmembrane glycoprotein; plus strand). Cytogenetic location: 4p16.1.
Variant type: single nucleotide variant.
Coding change: c.2426A>G on transcript NM_006005.3 (MANE Select); coding-DNA position 2426, A replaced by G.
Protein change: p.Glu809Gly; replaces glutamic acid 809 with glycine.
Molecular consequence: missense variant.
Genome position (GRCh38, 1-based): chr4:6,302,221, A>G. VCF-style: chr4-6302221-A-G. GRCh37 (hg19) VCF-style: chr4-6303948-A-G.
Other names: c.2426A>G, p.Glu809Gly (NM_001145853.1); short protein forms E809G.
Identifiers: ClinVar variation 4802690 (VCV004802690.1).

ClinVar aggregate classification (germline): Uncertain significance (1 of 4 stars; one submission).

Submission:

Labcorp Genetics (formerly Invitae), Labcorp
Classification: Uncertain significance. Last evaluated: 2025-03-04. Review status: criteria provided, single submitter. Criteria: Invitae Variant Classification Sherloc (09022015). Collection method: clinical testing. Allele origin: germline.
Comment: This sequence change replaces glutamic acid, which is acidic and polar, with glycine, which is neutral and non-polar, at codon 809 of the WFS1 protein (p.Glu809Gly). This variant is not present in population databases (gnomAD no frequency). This variant has not been reported in the literature in individuals affected with WFS1-related conditions. Invitae Evidence Modeling of protein sequence and biophysical properties (such as structural, functional, and spatial information, amino acid conservation, physicochemical variation, residue mobility, and thermodynamic stability) has been performed for this missense variant. However, the output from this modeling did not meet the statistical confidence thresholds required to predict the impact of this variant on WFS1 protein function. This variant disrupts the p.Glu809 amino acid residue in WFS1. Other variant(s) that disrupt this residue have been determined to be pathogenic (PMID: 25211237, 27217304). This suggests that this residue is clinically significant, and that variants that disrupt this residue are likely to be disease-causing. In summary, the available evidence is currently insufficient to determine the role of this variant in disease. Therefore, it has been classified as a Variant of Uncertain Significance.

Literature cited by the submitters: PubMed 25211237; PubMed 27217304.